The following is an entry in ClinVar:

NM_001160148.2(DDHD1):c.718A>G (p.Ser240Gly)

Gene: DDHD1 (DDHD domain containing 1; minus strand). Cytogenetic location: 14q22.1.
Variant type: single nucleotide variant.
Coding change: c.718A>G on transcript NM_001160148.2 (MANE Select); coding-DNA position 718, A replaced by G.
Protein change: p.Ser240Gly; replaces serine 240 with glycine.
Molecular consequence: missense variant.
Genome position (GRCh38, 1-based): chr14:53,152,381, T>C on the plus strand (A>G on the coding strand, the complement: DDHD1 is on the minus strand). VCF-style: chr14-53152381-T-C. GRCh37 (hg19) VCF-style: chr14-53619099-T-C.
Other names: c.718A>G, p.Ser240Gly (NM_001160147.2, NM_030637.3); short protein forms S240G.
Identifiers: ClinVar variation 1010408 (VCV001010408.8), dbSNP rs1891471025, ClinGen allele CA389779684.

ClinVar aggregate classification (germline): Uncertain significance (1 of 4 stars; one submission).

Conditions:
Hereditary spastic paraplegia 28. Also called: Spastic paraplegia 28, autosomal recessive. Identifiers: Orphanet 101008, MedGen C1836295, MONDO:0012256, OMIM 609340.

Allele frequency attached by ClinVar (database versions not stated): TOPMed below 0.00001.

Submission:

Labcorp Genetics (formerly Invitae), Labcorp
Classification: Uncertain significance for Hereditary spastic paraplegia 28. Last evaluated: 2020-05-14. Review status: criteria provided, single submitter. Criteria: Invitae Variant Classification Sherloc (09022015). Collection method: clinical testing. Allele origin: germline.
Comment: In summary, the available evidence is currently insufficient to determine the role of this variant in disease. Therefore, it has been classified as a Variant of Uncertain Significance. Algorithms developed to predict the effect of sequence changes on RNA splicing suggest that this variant may create or strengthen a splice site, but this prediction has not been confirmed by published transcriptional studies. Algorithms developed to predict the effect of missense changes on protein structure and function (SIFT, PolyPhen-2, Align-GVGD) all suggest that this variant is likely to be tolerated, but these predictions have not been confirmed by published functional studies and their clinical significance is uncertain. This variant has not been reported in the literature in individuals with DDHD1-related conditions. This variant is not present in population databases (ExAC no frequency). This sequence change replaces serine with glycine at codon 240 of the DDHD1 protein (p.Ser240Gly). The serine residue is weakly conserved and there is a small physicochemical difference between serine and glycine.